The following is an entry in ClinVar:

NM_033026.6(PCLO):c.2069C>G (p.Pro690Arg)

Gene: PCLO (piccolo presynaptic cytomatrix protein; minus strand). Cytogenetic location: 7q21.11.
Variant type: single nucleotide variant.
Coding change: c.2069C>G on transcript NM_033026.6 (MANE Select); coding-DNA position 2069, C replaced by G.
Protein change: p.Pro690Arg; replaces proline 690 with arginine.
Molecular consequence: missense variant.
Genome position (GRCh38, 1-based): chr7:83,135,481, G>C on the plus strand (C>G on the coding strand, the complement: PCLO is on the minus strand). VCF-style: chr7-83135481-G-C. GRCh37 (hg19) VCF-style: chr7-82764797-G-C.
Other names: c.2069C>G, p.Pro690Arg (NM_014510.3); short protein forms P690R.
Identifiers: ClinVar variation 5009352 (VCV005009352.1).

ClinVar aggregate classification (germline): Uncertain significance (1 of 4 stars; one submission).

Submission:

GeneDx
Classification: Uncertain significance. Last evaluated: 2026-03-17. Review status: criteria provided, single submitter. Criteria: GeneDx Variant Classification Process June 2021. Collection method: clinical testing. Allele origin: germline.
Comment: Not observed at significant frequency in large population cohorts (gnomAD); In silico analysis supports that this missense variant has a deleterious effect on protein structure/function; Has not been previously published as pathogenic or benign to our knowledge